The following is an entry in ClinVar:

ClinVar aggregate classification (germline): Uncertain significance (1 of 4 stars; one submission).

Conditions:
Mitochondrial complex II deficiency, nuclear type 1. Also called: SUCCINATE CoQ REDUCTASE DEFICIENCY. Identifiers: Orphanet 3208, MedGen C5700310, MONDO:0100294, OMIM 252011.
Pheochromocytoma/paraganglioma syndrome 5. Also called: Paragangliomas 5; SDHA-Related Hereditary Paraganglioma-Pheochromocytoma Syndrome. Identifiers: Orphanet 29072, MedGen C3279992, MONDO:0013602, OMIM 614165.

Submission:

Labcorp Genetics (formerly Invitae), Labcorp
Classification: Uncertain significance for Pheochromocytoma/paraganglioma syndrome 5; Mitochondrial complex II deficiency, nuclear type 1. Last evaluated: 2020-12-23. Review status: criteria provided, single submitter. Criteria: Invitae Variant Classification Sherloc (09022015). Collection method: clinical testing. Allele origin: germline.
Comment: In summary, the available evidence is currently insufficient to determine the role of this variant in disease. Therefore, it has been classified as a Variant of Uncertain Significance. Experimental studies and prediction algorithms are not available or were not evaluated, and the functional significance of this variant is currently unknown. This variant has not been reported in the literature in individuals with SDHA-related conditions. The frequency data for this variant in the population databases is not available, as this variant may be reported as separate entries in the ExAC database. This sequence change replaces methionine with asparagine at codon 142 of the SDHA protein (p.Met142Asn). The methionine residue is highly conserved and there is a large physicochemical difference between methionine and asparagine.

NM_004168.4(SDHA):c.425_426delinsAC (p.Met142Asn)

Gene: SDHA (succinate dehydrogenase complex flavoprotein subunit A; plus strand). Cytogenetic location: 5p15.33.
Variant type: Indel.
Coding change: c.425_426delinsAC on transcript NM_004168.4 (MANE Select); coding-DNA positions 425 to 426, TG replaced by AC.
Protein change: p.Met142Asn; replaces methionine 142 with asparagine.
Molecular consequence: missense variant. On other transcripts: intron variant (1).
Genome position (GRCh38, 1-based): chr5:225,531-225,532, TG replaced by AC. VCF-style: chr5-225531-TG-AC. GRCh37 (hg19) VCF-style: chr5-225646-TG-AC.
Other names: c.425_426delinsAC, p.Met142Asn (NM_001330758.2); c.313-352_313-351delinsAC (NM_001294332.2); short protein forms M142N.
Identifiers: ClinVar variation 1381086 (VCV001381086.6), dbSNP rs2126547518, ClinGen allele CA2573138536.